The following is an entry in ClinVar:

NM_004959.5(NR5A1):c.924C>T (p.Phe308=)

Gene: NR5A1 (nuclear receptor subfamily 5 group A member 1; minus strand). Cytogenetic location: 9q33.3.
Variant type: single nucleotide variant.
Coding change: c.924C>T on transcript NM_004959.5 (MANE Select); coding-DNA position 924, C replaced by T.
Protein change: p.Phe308=; no amino-acid change (phenylalanine 308 retained).
Molecular consequence: synonymous variant.
Genome position (GRCh38, 1-based): chr9:124,493,096, G>A on the plus strand (C>T on the coding strand, the complement: NR5A1 is on the minus strand). VCF-style: chr9-124493096-G-A. GRCh37 (hg19) VCF-style: chr9-127255375-G-A.
Identifiers: ClinVar variation 2156565 (VCV002156565.28), dbSNP rs376707580, ClinGen allele CA5235347.

ClinVar aggregate classification (germline): Benign/Likely benign. Review status: criteria provided, multiple submitters, no conflicts (2 of 4 stars). 2 submissions from 2 submitters: Benign (1); Likely benign (1). Last evaluated 2026-01-24.

Conditions:
46 XY differences of sex development. Also called: 46,XY disorder of sex development; 46, XY disorder of sex development (DSD). Identifiers: Orphanet 98085, MedGen C2751824, MONDO:0020040.
Oligosynaptic infertility (SPGF1). Also called: OLIGOCHIASMATIC INFERTILITY; SPERMATOGENIC FAILURE 1. Identifiers: MedGen C0403810, MONDO:0009776, OMIM 258150.

Allele frequency attached by ClinVar (database versions not stated): ESP Exome Variant Server 0.00008; gnomAD exomes 0.00010; gnomAD 0.00012; ExAC 0.00022.
gnomAD v4.1: 160 of 1,611,730 alleles (0.0099%); highest among the groups gnomAD compares: South Asian, 0.072%; 2 homozygotes.

Submissions (2):

Labcorp Genetics (formerly Invitae), Labcorp
Classification: Benign for 46 XY differences of sex development; Oligosynaptic infertility. Last evaluated: 2026-01-24. Review status: criteria provided, single submitter. Criteria: Invitae Variant Classification Sherloc (09022015). Collection method: clinical testing. Allele origin: germline.

CeGaT Center for Human Genetics Tuebingen
Classification: Likely benign. Last evaluated: 2023-03-01. Review status: criteria provided, single submitter. Criteria: CeGaT Center For Human Genetics Tuebingen Variant Classification Criteria Version 2. Collection method: clinical testing. Allele origin: germline. Affected: yes. Observed: 1 variant allele.
Comment: NR5A1: BP4, BP7